The following is an entry in ClinVar:

NM_000038.6(APC):c.115A>T (p.Thr39Ser)

Gene: APC (APC regulator of Wnt signaling pathway; plus strand). Cytogenetic location: 5q22.2.
Variant type: single nucleotide variant.
Coding change: c.115A>T on transcript NM_000038.6 (MANE Select); coding-DNA position 115, A replaced by T.
Protein change: p.Thr39Ser; replaces threonine 39 with serine.
Molecular consequence: missense variant. On other transcripts: intron variant (11), 5 prime UTR variant (4), non-coding transcript variant (2).
Genome position (GRCh38, 1-based): chr5:112,755,005, A>T. VCF-style: chr5-112755005-A-T. GRCh37 (hg19) VCF-style: chr5-112090702-A-T.
Other names: c.-42-11321A>T (NM_001407453.1, NM_001354900.2, NM_001354901.2 and 1 more transcripts); c.61-11321A>T (NM_001407451.1, NM_001354898.2, NM_001354904.2); c.115A>T, p.Thr39Ser (NM_001127510.3, NM_001354895.2, NM_001354896.2 and 16 more transcripts); c.-921A>T (NM_001354906.2, NM_001407470.1, NM_001407471.1 and 1 more transcripts); c.166-11321A>T (NM_001407446.1, NM_001354897.2, NM_001354902.2 and 1 more transcripts); short protein forms T39S.
Identifiers: ClinVar variation 3305698 (VCV003305698.1).

ClinVar aggregate classification (germline): Uncertain significance (1 of 4 stars; one submission).

Conditions:
Hereditary cancer-predisposing syndrome. Also called: Tumor predisposition; Hereditary Cancer Syndrome; Hereditary neoplastic syndrome; Neoplastic Syndromes, Hereditary. Identifiers: Orphanet 140162, MedGen C0027672, MeSH D009386, MONDO:0015356.

Submission:

Ambry Genetics
Classification: Uncertain significance for Hereditary cancer-predisposing syndrome. Last evaluated: 2024-06-08. Review status: criteria provided, single submitter. Criteria: Ambry Variant Classification Scheme 2023. Collection method: clinical testing. Allele origin: germline.
Comment: The p.T39S variant (also known as c.115A>T), located in coding exon 1 of the APC gene, results from an A to T substitution at nucleotide position 115. The threonine at codon 39 is replaced by serine, an amino acid with similar properties. This amino acid position is conserved. In addition, in silico predictors for this gene do not accurately predict pathogenicity. Based on the available evidence, the clinical significance of this variant remains unclear.